The following is an entry in ClinVar:

NM_015046.7(SETX):c.6049A>G (p.Met2017Val)

Gene: SETX (senataxin; minus strand). Cytogenetic location: 9q34.13.
Variant type: single nucleotide variant.
Coding change: c.6049A>G on transcript NM_015046.7 (MANE Select); coding-DNA position 6049, A replaced by G.
Protein change: p.Met2017Val; replaces methionine 2017 with valine.
Molecular consequence: missense variant.
Genome position (GRCh38, 1-based): chr9:132,295,929, T>C on the plus strand (A>G on the coding strand, the complement: SETX is on the minus strand). VCF-style: chr9-132295929-T-C. GRCh37 (hg19) VCF-style: chr9-135171316-T-C.
Other names: c.6049A>G, p.Met2017Val (NM_001351527.2, NM_001351528.2); short protein forms M2017V.
Identifiers: ClinVar variation 1751256 (VCV001751256.2), dbSNP rs1844642354, ClinGen allele CA375342362.

ClinVar aggregate classification (germline): Uncertain significance (1 of 4 stars; one submission).

Conditions:
Inborn genetic diseases. Identifiers: MedGen C0950123, MeSH D030342.

Allele frequency attached by ClinVar (database versions not stated): gnomAD exomes below 0.00001.
gnomAD v4.1: 1 of 1,613,780 alleles (0.000062%); highest among the groups gnomAD compares: Non-Finnish European, 0.000085%; no homozygotes.

Submission:

Ambry Genetics
Classification: Uncertain significance for Inborn genetic diseases. Last evaluated: 2021-02-23. Review status: criteria provided, single submitter. Criteria: Ambry Variant Classification Scheme 2023. Collection method: clinical testing. Allele origin: germline.
Comment: The p.M2017V variant (also known as c.6049A>G), located in coding exon 13 of the SETX gene, results from an A to G substitution at nucleotide position 6049. The methionine at codon 2017 is replaced by valine, an amino acid with highly similar properties. This amino acid position is highly conserved in available vertebrate species. In addition, the in silico prediction for this alteration is inconclusive. Since supporting evidence is limited at this time, the clinical significance of this alteration remains unclear.